The following is an entry in ClinVar:

ClinVar aggregate classification (germline): Uncertain significance. Review status: criteria provided, multiple submitters, no conflicts (2 of 4 stars). 3 submissions from 3 submitters: Uncertain significance (3). Last evaluated 2024-07-18.

Conditions:
Hereditary cancer-predisposing syndrome. Also called: Tumor predisposition; Hereditary neoplastic syndrome; Neoplastic Syndromes, Hereditary; Hereditary Cancer Syndrome. Identifiers: Orphanet 140162, MedGen C0027672, MeSH D009386, MONDO:0015356.
Breast and/or ovarian cancer. Identifiers: MedGen CN221562.
Hereditary breast ovarian cancer syndrome. Also called: Hereditary breast and ovarian cancer; BRCA1- and BRCA2-Associated Hereditary Breast and Ovarian Cancer; Hereditary breast and/or ovarian cancer syndrome; Hereditary breast and ovarian cancer syndrome; Hereditary breast and ovarian cancer syndrome (HBOC); Breast and ovarian cancer. Identifiers: Orphanet 145, MedGen C0677776, MeSH D061325, MONDO:0003582. Disease mechanism: loss of function.

Submissions (3):

Ambry Genetics
Classification: Uncertain significance for Hereditary cancer-predisposing syndrome. Last evaluated: 2024-07-18. Review status: criteria provided, single submitter. Criteria: Ambry Variant Classification Scheme 2023. Collection method: clinical testing. Allele origin: germline.
Comment: The p.L2480F variant (also known as c.7440A>C), located in coding exon 14 of the BRCA2 gene, results from an A to C substitution at nucleotide position 7440. The leucine at codon 2480 is replaced by phenylalanine, an amino acid with highly similar properties. This amino acid position is not well conserved in available vertebrate species. In addition, the in silico prediction for this alteration is inconclusive. Based on the available evidence, the clinical significance of this variant remains unclear.

Labcorp Genetics (formerly Invitae), Labcorp
Classification: Uncertain significance for Hereditary breast ovarian cancer syndrome. Last evaluated: 2022-07-30. Review status: criteria provided, single submitter. Criteria: Invitae Variant Classification Sherloc (09022015). Collection method: clinical testing. Allele origin: germline.
Comment: In summary, the available evidence is currently insufficient to determine the role of this variant in disease. Therefore, it has been classified as a Variant of Uncertain Significance. Advanced modeling of protein sequence and biophysical properties (such as structural, functional, and spatial information, amino acid conservation, physicochemical variation, residue mobility, and thermodynamic stability) performed at Invitae indicates that this missense variant is not expected to disrupt BRCA2 protein function. ClinVar contains an entry for this variant (Variation ID: 959693). This sequence change replaces leucine, which is neutral and non-polar, with phenylalanine, which is neutral and non-polar, at codon 2480 of the BRCA2 protein (p.Leu2480Phe). This variant is not present in population databases (gnomAD no frequency). This variant has not been reported in the literature in individuals affected with BRCA2-related conditions.

CHEO Genetics Diagnostic Laboratory, Children's Hospital of Eastern Ontario
Classification: Uncertain significance for Breast and/or ovarian cancer. Last evaluated: 2022-04-04. Review status: criteria provided, single submitter. Criteria: ACMG Guidelines, 2015. Collection method: clinical testing. Allele origin: germline.

NM_000059.4(BRCA2):c.7440A>C (p.Leu2480Phe)

Gene: BRCA2 (BRCA2 DNA repair associated; plus strand). Cytogenetic location: 13q13.1.
Variant type: single nucleotide variant.
Coding change: c.7440A>C on transcript NM_000059.4 (MANE Select); coding-DNA position 7440, A replaced by C.
Protein change: p.Leu2480Phe; replaces leucine 2480 with phenylalanine.
Molecular consequence: missense variant.
Genome position (GRCh38, 1-based): chr13:32,356,432, A>C. VCF-style: chr13-32356432-A-C. GRCh37 (hg19) VCF-style: chr13-32930569-A-C.
Other names: short protein forms L2480F.
Identifiers: ClinVar variation 959693 (VCV000959693.12), dbSNP rs2072694906, ClinGen allele CA387742971.